The following is an entry in ClinVar:

NM_020778.5(ALPK3):c.3965+2T>G

Gene: ALPK3 (alpha kinase 3; plus strand). Cytogenetic location: 15q25.3.
Variant type: single nucleotide variant.
Coding change: c.3965+2T>G on transcript NM_020778.5 (MANE Select); the canonical splice donor site of the intron after coding-DNA position 3965, T replaced by G.
Molecular consequence: splice donor variant.
Genome position (GRCh38, 1-based): chr15:84,859,392, T>G. VCF-style: chr15-84859392-T-G. GRCh37 (hg19) VCF-style: chr15-85402623-T-G.
Identifiers: ClinVar variation 3775441 (VCV003775441.1).

ClinVar aggregate classification (germline): Likely pathogenic (1 of 4 stars; one submission).

Conditions:
Cardiomyopathy, familial hypertrophic 27. Identifiers: MedGen C4748014, MONDO:0054838, OMIM 618052.

Submission:

3billion
Classification: Likely pathogenic for Cardiomyopathy, familial hypertrophic 27. Last evaluated: 2024-03-13. Review status: criteria provided, single submitter. Criteria: ACMG Guidelines, 2015. Collection method: clinical testing. Allele origin: germline. Affected: yes.
Comment: The variant is not observed in the gnomAD v2.1.1 dataset. Predicted Consequence/Location: Canonical splice site: predicted to alter splicing and result in a loss or disruption of normal protein function. Multiple pathogenic loss-of-function variants are reported downstream of the variant. Therefore, this variant is classified as Likely pathogenic according to the recommendation of ACMG/AMP guideline.